The following is an entry in ClinVar:

NM_004364.5(CEBPA):c.233T>C (p.Leu78Pro)

Gene: CEBPA (CCAAT enhancer binding protein alpha; minus strand). Cytogenetic location: 19q13.11.
Variant type: single nucleotide variant.
Coding change: c.233T>C on transcript NM_004364.5 (MANE Select); coding-DNA position 233, T replaced by C.
Protein change: p.Leu78Pro; replaces leucine 78 with proline.
Molecular consequence: missense variant. On other transcripts: 5 prime UTR variant (1).
Genome position (GRCh38, 1-based): chr19:33,302,182, A>G on the plus strand (T>C on the coding strand, the complement: CEBPA is on the minus strand). VCF-style: chr19-33302182-A-G. GRCh37 (hg19) VCF-style: chr19-33793088-A-G.
Other names: c.-125T>C (NM_001285829.2); c.338T>C, p.Leu113Pro (NM_001287424.2); c.191T>C, p.Leu64Pro (NM_001287435.2); short protein forms L113P, L64P, L78P.
Identifiers: ClinVar variation 4868697 (VCV004868697.1).

ClinVar aggregate classification (germline): Uncertain significance (1 of 4 stars; one submission).

Conditions:
Inborn genetic diseases. Identifiers: MedGen C0950123, MeSH D030342.

Submission:

Ambry Genetics
Classification: Uncertain significance for Inborn genetic diseases. Last evaluated: 2026-05-26. Review status: criteria provided, single submitter. Criteria: Ambry Variant Classification Scheme 2023. Collection method: clinical testing. Allele origin: germline.
Comment: The p.L78P variant (also known as c.233T>C), located in coding exon 1 of the CEBPA gene, results from a T to C substitution at nucleotide position 233. The leucine at codon 78 is replaced by proline, an amino acid with similar properties. This amino acid position is conserved. In addition, the in silico prediction for this alteration is inconclusive. Based on the available evidence, the clinical significance of this variant remains unclear.